The following is an entry in ClinVar:

NM_018706.7(DHTKD1):c.976A>G (p.Ile326Val)

Gene: DHTKD1 (dehydrogenase E1 and transketolase domain containing 1; plus strand). Cytogenetic location: 10p14.
Variant type: single nucleotide variant.
Coding change: c.976A>G on transcript NM_018706.7 (MANE Select); coding-DNA position 976, A replaced by G.
Protein change: p.Ile326Val; replaces isoleucine 326 with valine.
Molecular consequence: missense variant.
Genome position (GRCh38, 1-based): chr10:12,089,244, A>G. VCF-style: chr10-12089244-A-G. GRCh37 (hg19) VCF-style: chr10-12131243-A-G.
Other names: c.976A>G (NM_018706.5); short protein forms I326V.
Identifiers: ClinVar variation 1382441 (VCV001382441.7), dbSNP rs745602291, ClinGen allele CA5407702.

ClinVar aggregate classification (germline): Uncertain significance. Review status: criteria provided, multiple submitters, no conflicts (2 of 4 stars). 2 submissions from 2 submitters: Uncertain significance (2). Last evaluated 2025-05-15.

Conditions:
Inborn genetic diseases. Identifiers: MedGen C0950123, MeSH D030342.
2-aminoadipic 2-oxoadipic aciduria (AAKAD). Also called: ALPHA-AMINOADIPIC AND ALPHA-KETOADIPIC ACIDURIA; Aminoadipic aciduria. Identifiers: Orphanet 79154, MedGen C1859817, MONDO:0008774, OMIM 204750.

Allele frequency attached by ClinVar (database versions not stated): TOPMed below 0.00001; ExAC 0.00001; gnomAD exomes 0.00002.
gnomAD v4.1: 15 of 1,613,892 alleles (0.00093%); highest among the groups gnomAD compares: Middle Eastern, 0.033%; no homozygotes.

Submissions (2):

Labcorp Genetics (formerly Invitae), Labcorp
Classification: Uncertain significance for 2-aminoadipic 2-oxoadipic aciduria. Last evaluated: 2025-05-15. Review status: criteria provided, single submitter. Criteria: Invitae Variant Classification Sherloc (09022015). Collection method: clinical testing. Allele origin: germline.
Comment: This sequence change replaces isoleucine, which is neutral and non-polar, with valine, which is neutral and non-polar, at codon 326 of the DHTKD1 protein (p.Ile326Val). This variant is present in population databases (rs745602291, gnomAD 0.003%). This variant has not been reported in the literature in individuals affected with DHTKD1-related conditions. ClinVar contains an entry for this variant (Variation ID: 1382441). Invitae Evidence Modeling of protein sequence and biophysical properties (such as structural, functional, and spatial information, amino acid conservation, physicochemical variation, residue mobility, and thermodynamic stability) indicates that this missense variant is not expected to disrupt DHTKD1 protein function with a negative predictive value of 80%. In summary, the available evidence is currently insufficient to determine the role of this variant in disease. Therefore, it has been classified as a Variant of Uncertain Significance.

Ambry Genetics
Classification: Uncertain significance for Inborn genetic diseases. Last evaluated: 2022-01-27. Review status: criteria provided, single submitter. Criteria: Ambry Variant Classification Scheme 2023. Collection method: clinical testing. Allele origin: germline.